The following is an entry in ClinVar:

ClinVar aggregate classification (germline): Uncertain significance. Review status: criteria provided, multiple submitters, no conflicts (2 of 4 stars). 2 submissions from 2 submitters: Uncertain significance (2). Last evaluated 2026-04-25.

Conditions:
Inborn genetic diseases. Identifiers: MedGen C0950123, MeSH D030342.
Wilms tumor 1 (WT1). Also called: Wilms tumor, somatic. Identifiers: Orphanet 654, MedGen CN033288, MONDO:0008679, OMIM 194070.
11p partial monosomy syndrome (WAGR). Also called: WAGR syndrome; WAGR Complex; CHROMOSOME 11p13 DELETION SYNDROME; WAGR Spectrum Disorder. Identifiers: Orphanet 893, MedGen C0206115, MONDO:0008681, OMIM 194072.
Frasier syndrome. Identifiers: Orphanet 347, MedGen C0950122, MeSH D052159, MONDO:0007635, OMIM 136680.
Drash syndrome (DDS). Also called: WILMS TUMOR AND PSEUDO- OR TRUE HERMAPHRODITISM; NEPHROPATHY, WILMS TUMOR, AND GENITAL ANOMALIES. Identifiers: Orphanet 220, MedGen C0950121, MONDO:0008682, OMIM 194080.

gnomAD v4.1: 1 of 1,529,578 alleles (0.000065%); highest among the groups gnomAD compares: Non-Finnish European, 0.000087%; no homozygotes.

Submissions (2):

Ambry Genetics
Classification: Uncertain significance for Inborn genetic diseases. Last evaluated: 2026-04-25. Review status: criteria provided, single submitter. Criteria: Ambry Variant Classification Scheme 2023. Collection method: clinical testing. Allele origin: germline.
Comment: The p.T7A variant (also known as c.19A>G), located in coding exon 1 of the WT1 gene, results from an A to G substitution at nucleotide position 19. The threonine at codon 7 is replaced by alanine, an amino acid with similar properties. This amino acid position is conserved. In addition, this alteration is predicted to be tolerated by in silico analysis. Based on the available evidence, the clinical significance of this variant remains unclear.

Labcorp Genetics (formerly Invitae), Labcorp
Classification: Uncertain significance for Wilms tumor 1; Drash syndrome; 11p partial monosomy syndrome; Frasier syndrome. Last evaluated: 2022-09-02. Review status: criteria provided, single submitter. Criteria: Invitae Variant Classification Sherloc (09022015). Collection method: clinical testing. Allele origin: germline.
Comment: In summary, the available evidence is currently insufficient to determine the role of this variant in disease. Therefore, it has been classified as a Variant of Uncertain Significance. Algorithms developed to predict the effect of missense changes on protein structure and function are either unavailable or do not agree on the potential impact of this missense change (SIFT: "Deleterious"; PolyPhen-2: "Benign"; Align-GVGD: "Class C0"). This variant has not been reported in the literature in individuals affected with WT1-related conditions. This variant is not present in population databases (gnomAD no frequency). This sequence change replaces threonine, which is neutral and polar, with alanine, which is neutral and non-polar, at codon 7 of the WT1 protein (p.Thr7Ala).

NM_024426.6(WT1):c.34A>G (p.Thr12Ala)

Genes: WT1 (WT1 transcription factor; minus strand), LOC107982234 (WT1/WT1-AS bi-directional promoter region; plus strand). Cytogenetic location: 11p13.
Variant type: single nucleotide variant.
Coding change: c.34A>G on transcript NM_024426.6 (MANE Select); coding-DNA position 34, A replaced by G.
Protein change: p.Thr12Ala; replaces threonine 12 with alanine.
Molecular consequence: missense variant. On other transcripts: non-coding transcript variant (1).
Genome position (GRCh38, 1-based): chr11:32,435,327, T>C on the plus strand (A>G on the coding strand, the complement: WT1 is on the minus strand). VCF-style: chr11-32435327-T-C. GRCh37 (hg19) VCF-style: chr11-32456873-T-C.
Other names: c.19A>G (NM_024426.4); c.34A>G, p.Thr12Ala (NM_000378.6, NM_001407044.1, NM_001407045.1 and 6 more transcripts); c.19A>G, p.Thr7Ala (NM_024425.2); short protein forms T7A, T12A.
Identifiers: ClinVar variation 2079842 (VCV002079842.4), dbSNP rs764111950, ClinGen allele CA219511507.